The following is an entry in ClinVar:

NM_000059.4(BRCA2):c.10061C>G (p.Ser3354Cys)

Gene: BRCA2 (BRCA2 DNA repair associated; plus strand). Cytogenetic location: 13q13.1.
Variant type: single nucleotide variant.
Coding change: c.10061C>G on transcript NM_000059.4 (MANE Select); coding-DNA position 10061, C replaced by G.
Protein change: p.Ser3354Cys; replaces serine 3354 with cysteine.
Molecular consequence: missense variant.
Genome position (GRCh38, 1-based): chr13:32,398,574, C>G. VCF-style: chr13-32398574-C-G. GRCh37 (hg19) VCF-style: chr13-32972711-C-G.
Other names: short protein forms S3354C.
Identifiers: ClinVar variation 491199 (VCV000491199.8), dbSNP rs1555290030, ClinGen allele CA387767868.
Genomic context (GRCh38, chr13:32,398,574, plus strand): 5'-TGGAAAGTAATTCAATAGCTGACGAAGAACTTGCATTGATAAATACCCAAGCTCTTTTGT[C>G]TGGTTCAACAGGAGAAAAACAATTTATATCTGTCAGTGAATCCACTAGGACTGCTCCCAC-3'
Protein context (NP_000050.3, residues 3344-3364): LALINTQALL[Ser3354Cys]GSTGEKQFIS

ClinVar aggregate classification (germline): Uncertain significance. Review status: criteria provided, multiple submitters, no conflicts (2 of 4 stars). 3 submissions from 3 submitters: Uncertain significance (3). Last evaluated 2025-04-07.

Conditions:
Hereditary cancer-predisposing syndrome. Also called: Tumor predisposition; Neoplastic Syndromes, Hereditary; Hereditary Cancer Syndrome; Hereditary neoplastic syndrome. Identifiers: Orphanet 140162, MedGen C0027672, MeSH D009386, MONDO:0015356.
Breast-ovarian cancer, familial, susceptibility to, 2 (BROVCA2). Also called: BRCA2 Hereditary Breast and Ovarian Cancer. Identifiers: Orphanet 145, MedGen C2675520, MONDO:0012933, OMIM 612555. Disease mechanism: loss of function.

Submissions (3):

Ambry Genetics
Classification: Uncertain significance for Hereditary cancer-predisposing syndrome. Last evaluated: 2025-04-07. Review status: criteria provided, single submitter. Criteria: Ambry Variant Classification Scheme 2023. Collection method: clinical testing. Allele origin: germline.
Comment: The p.S3354C variant (also known as c.10061C>G), located in coding exon 26 of the BRCA2 gene, results from a C to G substitution at nucleotide position 10061. The serine at codon 3354 is replaced by cysteine, an amino acid with dissimilar properties. This amino acid position is conserved. In addition, this alteration is predicted to be tolerated by in silico analysis. Based on the available evidence, the clinical significance of this variant remains unclear.

All of Us Research Program, National Institutes of Health
Classification: Uncertain significance for Breast-ovarian cancer, familial, susceptibility to, 2. Last evaluated: 2023-06-26. Review status: criteria provided, single submitter. Criteria: ACMG Guidelines, 2015. Collection method: clinical testing. Allele origin: germline. Inheritance: Autosomal dominant inheritance. Observed: 1 variant allele, 1 heterozygote.
Comment: This missense variant replaces serine with cysteine at codon 3354 of the BRCA2 protein. Computational prediction suggests that this variant may not impact protein structure and function (internally defined REVEL score threshold <= 0.5, PMID: 27666373). To our knowledge, functional studies have not been reported for this variant. This variant has not been reported in individuals affected with BRCA2-related disorders in the literature. This variant has not been identified in the general population by the Genome Aggregation Database (gnomAD). The available evidence is insufficient to determine the role of this variant in disease conclusively. Therefore, this variant is classified as a Variant of Uncertain Significance.

This study involves interpretation of variants in research participants for the purpose of population health screening. Participant phenotype was not available at the time of variant classification. Additional details can be found in publication PMID: 35346344, PMCID: PMC8962531

Color Diagnostics, LLC DBA Color Health
Classification: Uncertain significance for Hereditary cancer-predisposing syndrome. Last evaluated: 2023-05-30. Review status: criteria provided, single submitter. Criteria: ACMG Guidelines, 2015. Collection method: clinical testing. Allele origin: germline.
Comment: This missense variant replaces serine with cysteine at codon 3354 of the BRCA2 protein. Computational prediction suggests that this variant may not impact protein structure and function (internally defined REVEL score threshold <= 0.5, PMID: 27666373). To our knowledge, functional studies have not been reported for this variant. This variant has not been reported in individuals affected with BRCA2-related disorders in the literature. This variant has not been identified in the general population by the Genome Aggregation Database (gnomAD). The available evidence is insufficient to determine the role of this variant in disease conclusively. Therefore, this variant is classified as a Variant of Uncertain Significance.